The following is an entry in ClinVar:

ClinVar aggregate classification (germline): Uncertain significance. Review status: criteria provided, multiple submitters, no conflicts (2 of 4 stars). 3 submissions from 3 submitters: Uncertain significance (2). 1 of the submissions does not count toward it. Last evaluated 2024-12-14.

Conditions:
Focal segmental glomerulosclerosis 8 (FSGS8). Identifiers: Orphanet 656, MedGen C4014993, MONDO:0014462, OMIM 616032.

Allele frequency attached by ClinVar (database versions not stated): ExAC 0.00004; gnomAD exomes 0.00005; gnomAD 0.00002; TOPMed 0.00002.
gnomAD v4.1: 50 of 1,613,324 alleles (0.0031%); highest among the groups gnomAD compares: Middle Eastern, 0.016%; no homozygotes.

Submissions (3):

Ambry Genetics
Classification: Uncertain significance. Last evaluated: 2024-12-14. Review status: criteria provided, single submitter. Criteria: Ambry Variant Classification Scheme 2023. Collection method: clinical testing. Allele origin: germline.

Labcorp Genetics (formerly Invitae), Labcorp
Classification: Uncertain significance. Last evaluated: 2024-05-27. Review status: criteria provided, single submitter. Criteria: Invitae Variant Classification Sherloc (09022015). Collection method: clinical testing. Allele origin: germline.
Comment: This sequence change replaces arginine, which is basic and polar, with cysteine, which is neutral and slightly polar, at codon 380 of the ANLN protein (p.Arg380Cys). This variant is present in population databases (rs201613256, gnomAD 0.04%). This variant has not been reported in the literature in individuals affected with ANLN-related conditions. ClinVar contains an entry for this variant (Variation ID: 266013). Advanced modeling of protein sequence and biophysical properties (such as structural, functional, and spatial information, amino acid conservation, physicochemical variation, residue mobility, and thermodynamic stability) performed at Invitae indicates that this missense variant is not expected to disrupt ANLN protein function with a negative predictive value of 80%. In summary, the available evidence is currently insufficient to determine the role of this variant in disease. Therefore, it has been classified as a Variant of Uncertain Significance.

Bioscientia Institut fuer Medizinische Diagnostik GmbH, Sonic Healthcare
Classification: Uncertain significance for Focal segmental glomerulosclerosis 8. Review status: no assertion criteria provided. Collection method: clinical testing. Allele origin: germline. Affected: yes. Not counted in ClinVar's aggregate classification.

NM_018685.5(ANLN):c.1138C>T (p.Arg380Cys)

Gene: ANLN (anillin, actin binding protein; plus strand). Cytogenetic location: 7p14.2.
Variant type: single nucleotide variant.
Coding change: c.1138C>T on transcript NM_018685.5 (MANE Select); coding-DNA position 1138, C replaced by T.
Protein change: p.Arg380Cys; replaces arginine 380 with cysteine.
Molecular consequence: missense variant.
Genome position (GRCh38, 1-based): chr7:36,410,555, C>T. VCF-style: chr7-36410555-C-T. GRCh37 (hg19) VCF-style: chr7-36450164-C-T.
Other names: c.1138C>T, p.Arg380Cys (NM_001284301.3, NM_001284302.3); c.1138C>T (NM_018685.2); short protein forms R380C.
Identifiers: ClinVar variation 266013 (VCV000266013.10), dbSNP rs201613256, ClinGen allele CA4219517.
Genomic context (GRCh38, chr7:36,410,555, plus strand): 5'-ATGTGTGTGTTTTCTGTAGGAGGAACAGGAATTAAGCCTTTCCTGGAACGCTTTGGAGAG[C>T]GTTGTCAAGAACATAGCAAAGAAAGTCCAGCTCGTAGCACACCCCACAGAACCCCCATTA-3'
Protein context (NP_061155.2, residues 370-390): IKPFLERFGE[Arg380Cys]CQEHSKESPA